The following is an entry in ClinVar:

NM_173543.3(DZIP1L):c.346C>A (p.Gln116Lys)

Gene: DZIP1L (DAZ interacting zinc finger protein 1 like; minus strand). Cytogenetic location: 3q22.3.
Variant type: single nucleotide variant.
Coding change: c.346C>A on transcript NM_173543.3 (MANE Select); coding-DNA position 346, C replaced by A.
Protein change: p.Gln116Lys; replaces glutamine 116 with lysine.
Molecular consequence: missense variant.
Genome position (GRCh38, 1-based): chr3:138,103,626, G>T on the plus strand (C>A on the coding strand, the complement: DZIP1L is on the minus strand). VCF-style: chr3-138103626-G-T. GRCh37 (hg19) VCF-style: chr3-137822468-G-T.
Other names: c.346C>A, p.Gln116Lys (NM_001170538.1); short protein forms Q116K.
Identifiers: ClinVar variation 2099834 (VCV002099834.3), dbSNP rs2472850290, ClinGen allele CA354681571.

ClinVar aggregate classification (germline): Uncertain significance (1 of 4 stars; one submission).

Submission:

Labcorp Genetics (formerly Invitae), Labcorp
Classification: Uncertain significance. Last evaluated: 2022-11-22. Review status: criteria provided, single submitter. Criteria: Invitae Variant Classification Sherloc (09022015). Collection method: clinical testing. Allele origin: germline.
Comment: This sequence change replaces glutamine, which is neutral and polar, with lysine, which is basic and polar, at codon 116 of the DZIP1L protein (p.Gln116Lys). This variant is not present in population databases (gnomAD no frequency). This variant has not been reported in the literature in individuals affected with DZIP1L-related conditions. Algorithms developed to predict the effect of missense changes on protein structure and function are either unavailable or do not agree on the potential impact of this missense change (SIFT: "Tolerated"; PolyPhen-2: "Possibly Damaging"; Align-GVGD: "Class C0"). In summary, the available evidence is currently insufficient to determine the role of this variant in disease. Therefore, it has been classified as a Variant of Uncertain Significance.